The following is an entry in ClinVar:

ClinVar aggregate classification (germline): Uncertain significance (1 of 4 stars; one submission).

gnomAD v4.1: 2 of 1,613,362 alleles (0.00012%); highest among the groups gnomAD compares: Non-Finnish European, 0.000085%; no homozygotes.

Submission:

Labcorp Genetics (formerly Invitae), Labcorp
Classification: Uncertain significance. Last evaluated: 2025-12-01. Review status: criteria provided, single submitter. Criteria: Invitae Variant Classification Sherloc (09022015). Collection method: clinical testing. Allele origin: germline.
Comment: This sequence change replaces cysteine, which is neutral and slightly polar, with tyrosine, which is neutral and polar, at codon 71 of the ADAMTSL4 protein (p.Cys71Tyr). This variant is not present in population databases (gnomAD no frequency). This variant has not been reported in the literature in individuals affected with ADAMTSL4-related conditions. Invitae Evidence Modeling of protein sequence and biophysical properties (such as structural, functional, and spatial information, amino acid conservation, physicochemical variation, residue mobility, and thermodynamic stability) has been performed for this missense variant. However, the output from this modeling did not meet the statistical confidence thresholds required to predict the impact of this variant on ADAMTSL4 protein function. In summary, the available evidence is currently insufficient to determine the role of this variant in disease. Therefore, it has been classified as a Variant of Uncertain Significance.

NM_019032.6(ADAMTSL4):c.212G>A (p.Cys71Tyr)

Genes: ADAMTSL4 (ADAMTS like 4; plus strand), ADAMTSL4-AS2 (ADAMTSL4 antisense RNA 2; minus strand). Cytogenetic location: 1q21.2.
Variant type: single nucleotide variant.
Coding change: c.212G>A on transcript NM_019032.6 (MANE Select); coding-DNA position 212, G replaced by A.
Protein change: p.Cys71Tyr; replaces cysteine 71 with tyrosine.
Molecular consequence: missense variant.
Genome position (GRCh38, 1-based): chr1:150,553,031, G>A. VCF-style: chr1-150553031-G-A. GRCh37 (hg19) VCF-style: chr1-150525507-G-A.
Other names: c.212G>A, p.Cys71Tyr (NM_001288607.2, NM_001288608.2, NM_001378596.1 and 1 more transcripts); short protein forms C71Y.
Identifiers: ClinVar variation 4742367 (VCV004742367.1).